The following is an entry in ClinVar:

NM_001128205.2(SULF1):c.1190+3G>A

Gene: SULF1 (sulfatase 1; plus strand). Cytogenetic location: 8q13.3.
Variant type: single nucleotide variant.
Coding change: c.1190+3G>A on transcript NM_001128205.2 (MANE Select); 3 bases into the intron after coding-DNA position 1190, G replaced by A.
Molecular consequence: intron variant.
Genome position (GRCh38, 1-based): chr8:69,603,323, G>A. VCF-style: chr8-69603323-G-A. GRCh37 (hg19) VCF-style: chr8-70515558-G-A.
Other names: c.1190+3G>A (NM_001412835.1, NM_015170.3, NM_001412828.1 and 14 more transcripts); c.1062-277G>A (NM_001412839.1, NM_001412838.1, NM_001412832.1 and 1 more transcripts); c.590+3G>A (NM_001412845.1, NM_001412844.1); c.-586+3G>A (NM_001412846.1); c.1004+3G>A (NM_001412841.1, NM_001412842.1).
Identifiers: ClinVar variation 2876068 (VCV002876068.3), dbSNP rs1384954907, ClinGen allele CA1791943863.

ClinVar aggregate classification (germline): Uncertain significance (1 of 4 stars; one submission).

Submission:

Labcorp Genetics (formerly Invitae), Labcorp
Classification: Uncertain significance. Last evaluated: 2023-08-08. Review status: criteria provided, single submitter. Criteria: Invitae Variant Classification Sherloc (09022015). Collection method: clinical testing. Allele origin: germline.
Comment: In summary, the available evidence is currently insufficient to determine the role of this variant in disease. Therefore, it has been classified as a Variant of Uncertain Significance. Variants that disrupt the consensus splice site are a relatively common cause of aberrant splicing (PMID: 17576681, 9536098). Algorithms developed to predict the effect of sequence changes on RNA splicing suggest that this variant may disrupt the consensus splice site. This variant has not been reported in the literature in individuals affected with SULF1-related conditions. This variant is not present in population databases (gnomAD no frequency). This sequence change falls in intron 11 of the SULF1 gene. It does not directly change the encoded amino acid sequence of the SULF1 protein. It affects a nucleotide within the consensus splice site.

Literature cited by the submitters: PubMed 17576681; PubMed 9536098.